The following is an entry in ClinVar:

NM_000088.4(COL1A1):c.1445G>A (p.Gly482Glu)

Gene: COL1A1 (collagen type I alpha 1 chain; minus strand). Cytogenetic location: 17q21.33.
Variant type: single nucleotide variant.
Coding change: c.1445G>A on transcript NM_000088.4 (MANE Select); coding-DNA position 1445, G replaced by A.
Protein change: p.Gly482Glu; replaces glycine 482 with glutamic acid.
Molecular consequence: missense variant.
Genome position (GRCh38, 1-based): chr17:50,194,737, C>T on the plus strand (G>A on the coding strand, the complement: COL1A1 is on the minus strand). VCF-style: chr17-50194737-C-T. GRCh37 (hg19) VCF-style: chr17-48272098-C-T.
Other names: short protein forms G482E.
Identifiers: ClinVar variation 5005773 (VCV005005773.2).

ClinVar aggregate classification (germline): Likely pathogenic (1 of 4 stars; one submission).

Conditions:
Ehlers-Danlos syndrome, arthrochalasia type. Also called: ARTHROCHALASIS MULTIPLEX CONGENITA; Ehlers-Danlos syndrome, arthrochalasia type, 1; EDS VII, MUTANT PROCOLLAGEN TYPE; EDS VIIA; Ehlers-Danlos syndrome, arthrochalasis type. Identifiers: Orphanet 1899, Orphanet 99875, Orphanet 99876, MedGen C4551623, MONDO:0007525, OMIM 130060.
Osteogenesis imperfecta with normal sclerae, dominant form (OI4). Also called: OSTEOGENESIS IMPERFECTA WITH NORMAL SCLERAE; OSTEOGENESIS IMPERFECTA, TYPE IV, WITH DENTINOGENESIS IMPERFECTA; Osteogenesis imperfecta type 4; Osteogenesis Imperfecta Type IV; Common Variable Osteogenesis Imperfecta with Normal Sclerae. Identifiers: Orphanet 216820, Orphanet 666, MedGen C0268363, MONDO:0008148, OMIM 166220.
Infantile cortical hyperostosis. Also called: Hyperostosis, Cortical, Congenital; Caffey Disease; P1PK BLOOD GROUP SYSTEM, P(2) PHENOTYPE. Identifiers: Orphanet 1310, MedGen C0020497, MONDO:0007244, OMIM 114000.
Combined osteogenesis imperfecta and Ehlers-Danlos syndrome 1. Also called: OIEDS SYNDROME 1. Identifiers: MedGen C5436842, MONDO:0030854, OMIM 619115.
Osteoporosis. Identifiers: MedGen C0029456, MONDO:0005298, OMIM 166710, HP:0000939.
Osteogenesis imperfecta type I (OI1). Also called: OI, TYPE I; OSTEOGENESIS IMPERFECTA TARDA; OSTEOGENESIS IMPERFECTA WITH BLUE SCLERAE; Lobstein's Disease; Osteogenesis imperfecta type 1; Lobstein disease. Identifiers: Orphanet 216796, Orphanet 666, MedGen C0023931, MONDO:0008146, OMIM 166200. Disease mechanism: loss of function.
Osteogenesis imperfecta, perinatal lethal (OI2). Also called: OSTEOGENESIS IMPERFECTA, TYPE II; OI, TYPE II; OSTEOGENESIS IMPERFECTA CONGENITA; VROLIK TYPE OF OSTEOGENESIS IMPERFECTA; Osteogenesis imperfecta, dominant perinatal lethal; Osteogenesis imperfecta type 2. Identifiers: Orphanet 216804, MedGen C0268358, MONDO:0008147, OMIM 166210.
Osteogenesis imperfecta type III (OI3). Also called: Osteogenesis imperfecta type 3; OI type 3; Osteogenesis imperfecta, progressively deforming with normal sclerae; OI type III; Progressively Deforming Osteogenesis Imperfecta. Identifiers: Orphanet 216812, Orphanet 666, MedGen C0268362, MONDO:0009804, OMIM 259420.

gnomAD v4.1: 1 of 1,570,040 alleles (0.000064%); highest among the groups gnomAD compares: Non-Finnish European, 0.000086%; no homozygotes.

Submission:

Juno Genomics, Hangzhou Juno Genomics, Inc
Classification: Likely pathogenic for Osteoporosis; Infantile cortical hyperostosis; Combined osteogenesis imperfecta and Ehlers-Danlos syndrome 1; Ehlers-Danlos syndrome, arthrochalasia type; Osteogenesis imperfecta type I; Osteogenesis imperfecta, perinatal lethal; Osteogenesis imperfecta type III; Osteogenesis imperfecta with normal sclerae, dominant form. Review status: criteria provided, single submitter. Criteria: ACMG Guidelines, 2015. Collection method: clinical testing. Allele origin: germline.
Comment: Absent from controls (or at extremely low frequency if recessive) in Genome Aggregation Database.;Multiple lines of computational evidence support a deleterious effect on the gene or gene product.;Missense variant in a gene that has a low rate of benign missense variation.;De novo (both maternity and paternity confirmed) in a patient with the disease and no family history.;Located in a mutational hot spot and/or critical and well-established functional domain without benign variation.